The following is an entry in ClinVar:

NM_001394062.1(MACF1):c.11409A>T (p.Gln3803His)

Gene: MACF1 (microtubule actin crosslinking factor 1; plus strand). Cytogenetic location: 1p34.3.
Variant type: single nucleotide variant.
Coding change: c.11409A>T on transcript NM_001394062.1 (MANE Select); coding-DNA position 11409, A replaced by T.
Protein change: p.Gln3803His; replaces glutamine 3803 with histidine.
Molecular consequence: missense variant.
Genome position (GRCh38, 1-based): chr1:39,353,216, A>T. VCF-style: chr1-39353216-A-T. GRCh37 (hg19) VCF-style: chr1-39818888-A-T.
Other names: c.5223A>T, p.Gln1741His (NM_012090.5); short protein forms Q3803H, Q1741H.
Identifiers: ClinVar variation 4714264 (VCV004714264.1).

ClinVar aggregate classification (germline): Uncertain significance (1 of 4 stars; one submission).

gnomAD v4.1: 1 of 1,604,600 alleles (0.000062%); highest among the groups gnomAD compares: Non-Finnish European, 0.000085%; no homozygotes.

Submission:

Labcorp Genetics (formerly Invitae), Labcorp
Classification: Uncertain significance. Last evaluated: 2025-03-04. Review status: criteria provided, single submitter. Criteria: Invitae Variant Classification Sherloc (09022015). Collection method: clinical testing. Allele origin: germline.
Comment: This sequence change replaces glutamine, which is neutral and polar, with histidine, which is basic and polar, at codon 1741 of the MACF1 protein (p.Gln1741His). This variant is not present in population databases (gnomAD no frequency). This variant has not been reported in the literature in individuals affected with MACF1-related conditions. An algorithm developed to predict the effect of missense changes on protein structure and function outputs the following: PolyPhen-2: "Benign". The histidine amino acid residue is found in multiple mammalian species, which suggests that this missense change does not adversely affect protein function. In summary, the available evidence is currently insufficient to determine the role of this variant in disease. Therefore, it has been classified as a Variant of Uncertain Significance.